The following is an entry in ClinVar:

NM_000535.7(PMS2):c.23+5G>A

Gene: PMS2 (PMS1 homolog 2, mismatch repair system component; minus strand). Cytogenetic location: 7p22.1.
Variant type: single nucleotide variant.
Coding change: c.23+5G>A on transcript NM_000535.7 (MANE Select); 5 bases into the intron after coding-DNA position 23, G replaced by A.
Molecular consequence: intron variant. On other transcripts: 5 prime UTR variant (2).
Genome position (GRCh38, 1-based): chr7:6,008,992, C>T on the plus strand (G>A on the coding strand, the complement: PMS2 is on the minus strand). VCF-style: chr7-6008992-C-T. GRCh37 (hg19) VCF-style: chr7-6048623-C-T.
Other names: c.-568G>A (NM_001322005.2); c.-563G>A (NM_001322009.2, NM_001406897.1); c.-647G>A (NM_001406875.1, NM_001406882.1); c.-814G>A (NM_001406877.1); c.-515G>A (NM_001406894.1); c.-550G>A (NM_001406898.1); c.-53+5G>A (NM_001322008.2); c.-243+5G>A (NM_001322010.2, NM_001322004.2); and 6 more.
Identifiers: ClinVar variation 1789280 (VCV001789280.4), dbSNP rs1786249416, ClinGen allele CA2580077215.

ClinVar aggregate classification (germline): Uncertain significance. Review status: criteria provided, multiple submitters, no conflicts (2 of 4 stars). 2 submissions from 2 submitters: Uncertain significance (2). Last evaluated 2025-05-05.

Conditions:
Hereditary cancer-predisposing syndrome. Also called: Hereditary Cancer Syndrome; Hereditary neoplastic syndrome; Tumor predisposition; Neoplastic Syndromes, Hereditary. Identifiers: Orphanet 140162, MedGen C0027672, MeSH D009386, MONDO:0015356.

Allele frequency attached by ClinVar (database versions not stated): gnomAD exomes below 0.00001.
gnomAD v4.1: 1 of 1,612,700 alleles (0.000062%); highest among the groups gnomAD compares: East Asian, 0.0022%; no homozygotes.

Submissions (2):

Spanish MMR Variant Interpretation Working Group
Classification: Uncertain significance for Hereditary cancer-predisposing syndrome. Last evaluated: 2025-05-05. Review status: criteria provided, single submitter. Criteria: ClinGen CRC ACMG Specifications PMS2 V1.0.0. Collection method: clinical testing. Allele origin: germline. Affected: yes.
Comment: The PMS2 variant c.23+5G>A is an intronic variant located in intron 1, close to the splicing donor site. It is extremely rare (<1 in 50,000 alleles) in the gnomAD v4.1.0 database (PM2_P). It is predicted to affect splicing according to MaxEntScan, NNSplice, and SpliceAI algorithms (PP3). To our current knowledge, no functional assays have been reported for this variant. Based on the available evidence, this variant is classified as a Variant of Uncertain Significance (Class 3).

Ambry Genetics
Classification: Uncertain significance for Hereditary cancer-predisposing syndrome. Last evaluated: 2023-09-12. Review status: criteria provided, single submitter. Criteria: Ambry Variant Classification Scheme 2023. Collection method: clinical testing. Allele origin: germline.
Comment: The c.23+5G>A intronic variant results from a G to A substitution 5 nucleotides after coding exon 1 in the PMS2 gene. This nucleotide position is well conserved in available vertebrate species. In silico splice site analysis predicts that this alteration will not have any significant effect on splicing; however, direct evidence is insufficient at this time (Ambry internal data). Since supporting evidence is limited at this time, the clinical significance of this alteration remains unclear.